The following is an entry in ClinVar:

NM_000277.3(PAH):c.785T>G (p.Val262Gly)

Gene: PAH (phenylalanine hydroxylase; minus strand). Cytogenetic location: 12q23.2.
Variant type: single nucleotide variant.
Coding change: c.785T>G on transcript NM_000277.3 (MANE Select); coding-DNA position 785, T replaced by G.
Protein change: p.Val262Gly; replaces valine 262 with glycine.
Molecular consequence: missense variant.
Genome position (GRCh38, 1-based): chr12:102,852,872, A>C on the plus strand (T>G on the coding strand, the complement: PAH is on the minus strand). VCF-style: chr12-102852872-A-C. GRCh37 (hg19) VCF-style: chr12-103246650-A-C.
Other names: NM_000277.2(PAH):c.785T>G; c.785T>G, p.Val262Gly (NM_001354304.2); short protein forms V262G.
Identifiers: ClinVar variation 120285 (VCV000120285.3), dbSNP rs281865445, ClinGen allele CA267671.

ClinVar aggregate classification (germline): Likely pathogenic. Review status: reviewed by expert panel (3 of 4 stars). 2 submissions from 2 submitters: Likely pathogenic (1). 1 of the submissions does not count toward it. Last evaluated 2018-12-10.

Conditions:
Phenylketonuria (PKU). Also called: Phenylketonuria (PKU); FOLLING DISEASE; OLIGOPHRENIA PHENYLPYRUVICA; Phenylketonurias. Identifiers: Orphanet 716, MedGen C0031485, MONDO:0009861, OMIM 261600. Disease mechanism: loss of function.

Allele frequency attached by ClinVar (database versions not stated): gnomAD exomes below 0.00001.
gnomAD v4.1: 1 of 1,614,002 alleles (0.000062%); highest among the groups gnomAD compares: Non-Finnish European, 0.000085%; no homozygotes.

Submissions (2):

ClinGen PAH Variant Curation Expert Panel
Classification: Likely pathogenic for Phenylketonuria. Last evaluated: 2018-12-10. Review status: reviewed by expert panel. Criteria: ClinGen PAH ACMG Specifications v1. Collection method: curation. Allele origin: germline. Inheritance: Autosomal recessive inheritance.
Comment: BH4 deficiencies were not assessed. It was detected with a known pathogenic variant p.F39L. PMID: 26666653. This variant is absent from ExAC, gnomAD, 1000G, and ESP. It is predicted deleterious in SIFT, Polyphen-2, MutationTaster, and REVEL=0.954. In summary, this variant meets criteria to be classified as likely pathogenic for PAH. PAH-specific ACMG/AMP criteria applied: PM2, PM3, PP4, PP3.

Inserm U 954, Faculté de Médecine de Nancy
Classification: Likely pathogenic for Phenylketonuria. Review status: no assertion criteria provided. Collection method: not provided. Allele origin: unknown. Not counted in ClinVar's aggregate classification.
ClinVar note: Converted during submission from probable-pathogenic to Likely pathogenic.

Literature cited by the submitters: PubMed 26666653 (cited by ClinGen PAH Variant Curation Expert Panel).